The following is an entry in ClinVar:

ClinVar aggregate classification (germline): Uncertain significance (1 of 4 stars; one submission).

gnomAD v4.1: 1 of 1,610,454 alleles (0.000062%); highest among the groups gnomAD compares: Non-Finnish European, 0.000085%; no homozygotes.

Submission:

Labcorp Genetics (formerly Invitae), Labcorp
Classification: Uncertain significance. Last evaluated: 2023-06-28. Review status: criteria provided, single submitter. Criteria: Invitae Variant Classification Sherloc (09022015). Collection method: clinical testing. Allele origin: germline.
Comment: In summary, the available evidence is currently insufficient to determine the role of this variant in disease. Therefore, it has been classified as a Variant of Uncertain Significance. Advanced modeling of protein sequence and biophysical properties (such as structural, functional, and spatial information, amino acid conservation, physicochemical variation, residue mobility, and thermodynamic stability) performed at Invitae indicates that this missense variant is expected to disrupt COL9A3 protein function. This variant has not been reported in the literature in individuals affected with COL9A3-related conditions. This variant is not present in population databases (gnomAD no frequency). This sequence change replaces glycine, which is neutral and non-polar, with alanine, which is neutral and non-polar, at codon 83 of the COL9A3 protein (p.Gly83Ala).

NM_001853.4(COL9A3):c.248G>C (p.Gly83Ala)

Gene: COL9A3 (collagen type IX alpha 3 chain; plus strand). Cytogenetic location: 20q13.33.
Variant type: single nucleotide variant.
Coding change: c.248G>C on transcript NM_001853.4 (MANE Select); coding-DNA position 248, G replaced by C.
Protein change: p.Gly83Ala; replaces glycine 83 with alanine.
Molecular consequence: missense variant.
Genome position (GRCh38, 1-based): chr20:62,819,286, G>C. VCF-style: chr20-62819286-G-C. GRCh37 (hg19) VCF-style: chr20-61450638-G-C.
Other names: short protein forms G83A.
Identifiers: ClinVar variation 3004255 (VCV003004255.3), dbSNP rs1434111481, ClinGen allele CA409587607.